The following is an entry in ClinVar:

ClinVar aggregate classification (germline): Uncertain significance (1 of 4 stars; one submission).

Conditions:
Cardiovascular phenotype. Identifiers: MedGen CN230736.
Hereditary cancer-predisposing syndrome. Also called: Neoplastic Syndromes, Hereditary; Tumor predisposition; Hereditary Cancer Syndrome; Hereditary neoplastic syndrome. Identifiers: Orphanet 140162, MedGen C0027672, MeSH D009386, MONDO:0015356.

Submission:

Ambry Genetics
Classification: Uncertain significance for Cardiovascular phenotype; Hereditary cancer-predisposing syndrome. Last evaluated: 2026-03-31. Review status: criteria provided, single submitter. Criteria: Ambry Variant Classification Scheme 2023. Collection method: clinical testing. Allele origin: germline.
Comment: The p.S52F variant (also known as c.155C>T), located in coding exon 2 of the NF1 gene, results from a C to T substitution at nucleotide position 155. The serine at codon 52 is replaced by phenylalanine, an amino acid with highly dissimilar properties. This amino acid position is highly conserved in available vertebrate species. In addition, the in silico prediction for this alteration is inconclusive. Based on the available evidence, the clinical significance of this variant remains unclear.

NM_001042492.3(NF1):c.155C>T (p.Ser52Phe)

Gene: NF1 (neurofibromin 1; plus strand). Cytogenetic location: 17q11.2.
Variant type: single nucleotide variant.
Coding change: c.155C>T on transcript NM_001042492.3 (MANE Select); coding-DNA position 155, C replaced by T.
Protein change: p.Ser52Phe; replaces serine 52 with phenylalanine.
Molecular consequence: missense variant.
Genome position (GRCh38, 1-based): chr17:31,156,077, C>T. VCF-style: chr17-31156077-C-T. GRCh37 (hg19) VCF-style: chr17-29483095-C-T.
Other names: c.155C>T, p.Ser52Phe (NM_000267.4, NM_001128147.3); short protein forms S52F.
Identifiers: ClinVar variation 4860891 (VCV004860891.1).
Genomic context (GRCh38, chr17:31,156,077, plus strand): 5'-CCAAAGTCAGTACTGAGCACAACAAGGAATGTCTAATCAATATTTCCAAATACAAGTTTT[C>T]TTTGGTTATAAGCGGCCTCACTACTATTTTAAAGAATGTTAACAATATGGTGAGTATTTG-3'
Protein context (NP_001035957.1, residues 42-62): CLINISKYKF[Ser52Phe]LVISGLTTIL